The following is an entry in ClinVar:

ClinVar aggregate classification (germline): Uncertain significance (1 of 4 stars; one submission).

Conditions:
Hereditary spastic paraplegia 3A (SPG3A). Also called: SPASTIC PARAPLEGIA 3, AUTOSOMAL DOMINANT; FAMILIAL SPASTIC PARAPLEGIA, AUTOSOMAL DOMINANT, 1; SPG3; STRUMPELL DISEASE; Spastic Paraplegia 3A; Spastic paraplegia 3A, autosomal dominant. Identifiers: Orphanet 100984, MedGen C2931355, MONDO:0008437, OMIM 182600.

Submission:

Labcorp Genetics (formerly Invitae), Labcorp
Classification: Uncertain significance for Hereditary spastic paraplegia 3A. Last evaluated: 2024-02-02. Review status: criteria provided, single submitter. Criteria: Invitae Variant Classification Sherloc (09022015). Collection method: clinical testing. Allele origin: germline.
Comment: This sequence change replaces glycine, which is neutral and non-polar, with aspartic acid, which is acidic and polar, at codon 338 of the ATL1 protein (p.Gly338Asp). This variant is not present in population databases (gnomAD no frequency). This variant has not been reported in the literature in individuals affected with ATL1-related conditions. Advanced modeling of protein sequence and biophysical properties (such as structural, functional, and spatial information, amino acid conservation, physicochemical variation, residue mobility, and thermodynamic stability) performed at Invitae indicates that this missense variant is not expected to disrupt ATL1 protein function with a negative predictive value of 80%. In summary, the available evidence is currently insufficient to determine the role of this variant in disease. Therefore, it has been classified as a Variant of Uncertain Significance.

NM_015915.5(ATL1):c.1013G>A (p.Gly338Asp)

Gene: ATL1 (atlastin GTPase 1; plus strand). Cytogenetic location: 14q22.1.
Variant type: single nucleotide variant.
Coding change: c.1013G>A on transcript NM_015915.5 (MANE Select); coding-DNA position 1013, G replaced by A.
Protein change: p.Gly338Asp; replaces glycine 338 with aspartic acid.
Molecular consequence: missense variant.
Genome position (GRCh38, 1-based): chr14:50,621,865, G>A. VCF-style: chr14-50621865-G-A. GRCh37 (hg19) VCF-style: chr14-51088583-G-A.
Other names: c.1013G>A, p.Gly338Asp (NM_001127713.1, NM_181598.4); short protein forms G338D.
Identifiers: ClinVar variation 3730511 (VCV003730511.2).
Genomic context (GRCh38, chr14:50,621,865, plus strand): 5'-GGAATTGCTTGAACATGAATCTTTTTCTTTTTTTTTAGGCTTATATAAAGATCTATCAAG[G>A]TGAAGAATTACCACATCCCAAATCCATGTTACAGGTATTTATTAATGAGGAGGCATGTTT-3'
Protein context (NP_056999.2, residues 328-348): YFKAYIKIYQ[Gly338Asp]EELPHPKSML